The following is an entry in ClinVar:

ClinVar aggregate classification (germline): Uncertain significance (1 of 4 stars; one submission).

Submission:

Labcorp Genetics (formerly Invitae), Labcorp
Classification: Uncertain significance. Last evaluated: 2025-03-31. Review status: criteria provided, single submitter. Criteria: Invitae Variant Classification Sherloc (09022015). Collection method: clinical testing. Allele origin: germline.
Comment: This sequence change replaces methionine, which is neutral and non-polar, with valine, which is neutral and non-polar, at codon 260 of the KIF23 protein (p.Met260Val). This variant is not present in population databases (gnomAD no frequency). This variant has not been reported in the literature in individuals affected with KIF23-related conditions. Invitae Evidence Modeling of protein sequence and biophysical properties (such as structural, functional, and spatial information, amino acid conservation, physicochemical variation, residue mobility, and thermodynamic stability) indicates that this missense variant is not expected to disrupt KIF23 protein function with a negative predictive value of 80%. In summary, the available evidence is currently insufficient to determine the role of this variant in disease. Therefore, it has been classified as a Variant of Uncertain Significance.

NM_001367805.3(KIF23):c.820A>G (p.Met274Val)

Gene: KIF23 (kinesin family member 23; plus strand). Cytogenetic location: 15q23.
Variant type: single nucleotide variant.
Coding change: c.820A>G on transcript NM_001367805.3 (MANE Select); coding-DNA position 820, A replaced by G.
Protein change: p.Met274Val; replaces methionine 274 with valine.
Molecular consequence: missense variant. On other transcripts: non-coding transcript variant (2).
Genome position (GRCh38, 1-based): chr15:69,426,113, A>G. VCF-style: chr15-69426113-A-G. GRCh37 (hg19) VCF-style: chr15-69718452-A-G.
Other names: c.448A>G, p.Met150Val (NM_001281301.2); c.778A>G, p.Met260Val (NM_001367804.2, NM_004856.7, NM_138555.4); short protein forms M260V, M274V, M150V.
Identifiers: ClinVar variation 3711754 (VCV003711754.2).
Genomic context (GRCh38, chr15:69,426,113, plus strand): 5'-TTTTTTCTTTCCCATAGACCTCCACAATCTAAATTGCTTCGTGAAGATAAGAACCATAAC[A>G]TGTATGTTGCAGGATGTACAGAAGTTGAAGTGAAATCTACTGAGGAGGCTTTTGAAGTTT-3'
Protein context (NP_001354734.1, residues 264-284): KLLREDKNHN[Met274Val]YVAGCTEVEV